The following is an entry in ClinVar:

NM_001349253.2(SCN11A):c.143C>G (p.Pro48Arg)

Gene: SCN11A (sodium voltage-gated channel alpha subunit 11; minus strand). Cytogenetic location: 3p22.2.
Variant type: single nucleotide variant.
Coding change: c.143C>G on transcript NM_001349253.2 (MANE Select); coding-DNA position 143, C replaced by G.
Protein change: p.Pro48Arg; replaces proline 48 with arginine.
Molecular consequence: missense variant.
Genome position (GRCh38, 1-based): chr3:38,950,220, G>C on the plus strand (C>G on the coding strand, the complement: SCN11A is on the minus strand). VCF-style: chr3-38950220-G-C. GRCh37 (hg19) VCF-style: chr3-38991711-G-C.
Other names: c.143C>G, p.Pro48Arg (NM_014139.3); short protein forms P48R.
Identifiers: ClinVar variation 541581 (VCV000541581.12), dbSNP rs138704917, ClinGen allele CA2322764.

ClinVar aggregate classification (germline): Likely benign. Review status: criteria provided, multiple submitters, no conflicts (2 of 4 stars). 3 submissions from 3 submitters: Likely benign (3). Last evaluated 2026-02-18.

Conditions:
Familial episodic pain syndrome with predominantly lower limb involvement. Also called: Episodic pain syndrome, familial, 3. Identifiers: Orphanet 391384, Orphanet 391392, MedGen C3809899, MONDO:0014247, OMIM 615552.
Hereditary sensory and autonomic neuropathy type 7. Also called: HSAN VII; Neuropathy, hereditary sensory and autonomic, type VII. Identifiers: Orphanet 391397, MedGen C3809882, MONDO:0014244, OMIM 615548.
Inborn genetic diseases. Identifiers: MedGen C0950123, MeSH D030342.

Allele frequency attached by ClinVar (database versions not stated): gnomAD 0.00001; TOPMed 0.00003.

Submissions (3):

Women's Health and Genetics/Laboratory Corporation of America, LabCorp
Classification: Likely benign. Last evaluated: 2026-02-18. Review status: criteria provided, single submitter. Criteria: LabCorp Variant Classification Summary - May 2015. Collection method: clinical testing. Allele origin: germline.
Comment: Variant summary: SCN11A c.143C>G (p.Pro48Arg) results in a non-conservative amino acid change in the encoded protein sequence. Algorithms developed to predict the effect of missense changes on protein structure and function are either unavailable or do not agree on the potential impact of this missense change. The variant allele was found at a frequency of 6e-05 in 251484 control chromosomes, predominantly at a frequency of 0.00082 within the East Asian subpopulation in the gnomAD database. The observed variant frequency within East Asian control individuals in the gnomAD database exceeds the estimated maximal expected allele frequency for disease-causing variants in SCN11A. To our knowledge, no occurrence of c.143C>G in individuals affected with SCN11A-related conditions and no experimental evidence demonstrating its impact on protein function have been reported. ClinVar contains an entry for this variant (Variation ID: 541581). Based on the evidence outlined above, the variant was classified as likely benign.

Ambry Genetics
Classification: Likely benign for Inborn genetic diseases. Last evaluated: 2025-06-17. Review status: criteria provided, single submitter. Criteria: Ambry Variant Classification Scheme 2023. Collection method: clinical testing. Allele origin: germline.

Labcorp Genetics (formerly Invitae), Labcorp
Classification: Likely benign for Familial episodic pain syndrome with predominantly lower limb involvement; Hereditary sensory and autonomic neuropathy type 7. Last evaluated: 2023-09-10. Review status: criteria provided, single submitter. Criteria: Invitae Variant Classification Sherloc (09022015). Collection method: clinical testing. Allele origin: germline.